The following is an entry in ClinVar:

ClinVar aggregate classification (germline): Uncertain significance (1 of 4 stars; one submission).

Allele frequency attached by ClinVar (database versions not stated): gnomAD exomes below 0.00001; gnomAD 0.00001; TOPMed 0.00002; ESP Exome Variant Server 0.00008.

Submission:

GeneDx
Classification: Uncertain significance. Last evaluated: 2017-09-28. Review status: criteria provided, single submitter. Criteria: GeneDx Variant Classification (06012015). Collection method: clinical testing. Allele origin: germline. Affected: yes.
Comment: The R1944W variant has not been published as a pathogenic variant, nor has it been reported as a benign variant to our knowledge. The variant is not observed in large population cohorts (Lek et al., 2016). R1944W is a non-conservative amino acid substitution, which is likely to impact secondary protein structure as these residues differ in polarity, charge, size and/or other properties. This substitution occurs at a position where amino acids with similar properties to Arginine are tolerated across species. In silico analysis is inconsistent in its predictions as to whether or not the variant is damaging to the protein structure/function. In summary, based on the currently available information, it is unclear whether this variant is a pathogenic variant or a rare benign variant.

NM_001145809.2(MYH14):c.5953C>T (p.Arg1985Trp)

Gene: MYH14 (myosin heavy chain 14; plus strand). Cytogenetic location: 19q13.33.
Variant type: single nucleotide variant.
Coding change: c.5953C>T on transcript NM_001145809.2 (MANE Select); coding-DNA position 5953, C replaced by T.
Protein change: p.Arg1985Trp; replaces arginine 1985 with tryptophan.
Molecular consequence: missense variant.
Genome position (GRCh38, 1-based): chr19:50,309,170, C>T. VCF-style: chr19-50309170-C-T. GRCh37 (hg19) VCF-style: chr19-50812427-C-T.
Other names: c.5854C>T, p.Arg1952Trp (NM_001077186.2); c.5830C>T, p.Arg1944Trp (NM_024729.4); short protein forms R1944W, R1985W, R1952W.
Identifiers: ClinVar variation 452193 (VCV000452193.2), dbSNP rs369147236, ClinGen allele CA309597820.